The following is an entry in ClinVar:

ClinVar aggregate classification (germline): Uncertain significance. Review status: criteria provided, multiple submitters, no conflicts (2 of 4 stars). 2 submissions from 2 submitters: Uncertain significance (2). Last evaluated 2025-02-02.

Conditions:
Hereditary cancer-predisposing syndrome. Also called: Tumor predisposition; Hereditary neoplastic syndrome; Hereditary Cancer Syndrome; Neoplastic Syndromes, Hereditary. Identifiers: Orphanet 140162, MedGen C0027672, MeSH D009386, MONDO:0015356.

Allele frequency attached by ClinVar (database versions not stated): gnomAD exomes below 0.00001.
gnomAD v4.1: 1 of 1,605,818 alleles (0.000062%); highest among the groups gnomAD compares: Non-Finnish European, 0.000085%; no homozygotes.

Submissions (2):

Labcorp Genetics (formerly Invitae), Labcorp
Classification: Uncertain significance. Last evaluated: 2025-02-02. Review status: criteria provided, single submitter. Criteria: Invitae Variant Classification Sherloc (09022015). Collection method: clinical testing. Allele origin: germline.
Comment: This sequence change falls in intron 9 of the CTNNA1 gene. It does not directly change the encoded amino acid sequence of the CTNNA1 protein. It affects a nucleotide within the consensus splice site. This variant is not present in population databases (gnomAD no frequency). This variant has not been reported in the literature in individuals affected with CTNNA1-related conditions. ClinVar contains an entry for this variant (Variation ID: 3221876). Variants that disrupt the consensus splice site are a relatively common cause of aberrant splicing (PMID: 17576681, 9536098). Algorithms developed to predict the effect of sequence changes on RNA splicing suggest that this variant is not likely to affect RNA splicing. In summary, the available evidence is currently insufficient to determine the role of this variant in disease. Therefore, it has been classified as a Variant of Uncertain Significance.

Ambry Genetics
Classification: Uncertain significance for Hereditary cancer-predisposing syndrome. Last evaluated: 2024-02-20. Review status: criteria provided, single submitter. Criteria: Ambry Variant Classification Scheme 2023. Collection method: clinical testing. Allele origin: germline.
Comment: The c.1296+3A>G intronic variant results from an A to G substitution 3 nucleotides after coding exon 8 in the CTNNA1 gene. This nucleotide position is well conserved in available vertebrate species. In silico splice site analysis predicts that this alteration will not have any significant effect on splicing. The evidence for this gene-disease relationship is limited; therefore, the clinical significance of this alteration is unclear.

Literature cited by the submitters: PubMed 17576681 (cited by Labcorp Genetics (formerly Invitae), Labcorp); PubMed 9536098 (cited by Labcorp Genetics (formerly Invitae), Labcorp).

NM_001903.5(CTNNA1):c.1296+3A>G

Gene: CTNNA1 (catenin alpha 1; plus strand). Cytogenetic location: 5q31.2.
Variant type: single nucleotide variant.
Coding change: c.1296+3A>G on transcript NM_001903.5 (MANE Select); 3 bases into the intron after coding-DNA position 1296, A replaced by G.
Molecular consequence: intron variant.
Genome position (GRCh38, 1-based): chr5:138,887,645, A>G. VCF-style: chr5-138887645-A-G. GRCh37 (hg19) VCF-style: chr5-138223334-A-G.
Other names: c.1296+3A>G (NM_001323982.2, NM_001323984.2, NM_001290307.3 and 3 more transcripts); c.927+3A>G (NM_001290310.3); c.987+3A>G (NM_001290309.3); c.186+3A>G (NM_001323996.1, NM_001323993.1, NM_001324005.1 and 18 more transcripts); c.-212+3A>G (NM_001324007.1, NM_001324009.1, NM_001324006.1 and 1 more transcripts); c.-87+3A>G (NM_001324013.1); c.-58+12048A>G (NM_001324012.1); c.-61+12048A>G (NM_001324010.1).
Identifiers: ClinVar variation 3221876 (VCV003221876.2), dbSNP rs1561657329, ClinGen allele CA915212478.